The following is an entry in ClinVar:

NM_000497.4(CYP11B1):c.1120C>A (p.Arg374=)

Genes: CYP11B1 (cytochrome P450 family 11 subfamily B member 1; minus strand), LOC106799833 (CYP11B1 recombination region; plus strand). Cytogenetic location: 8q24.3.
Variant type: single nucleotide variant.
Coding change: c.1120C>A on transcript NM_000497.4 (MANE Select); coding-DNA position 1120, C replaced by A.
Protein change: p.Arg374=; no amino-acid change (arginine 374 retained).
Molecular consequence: synonymous variant.
Genome position (GRCh38, 1-based): chr8:142,875,713, G>T on the plus strand (C>A on the coding strand, the complement: CYP11B1 is on the minus strand). VCF-style: chr8-142875713-G-T. GRCh37 (hg19) VCF-style: chr8-143957129-G-T.
Other names: p.Arg374=; c.1120C>A, p.Arg374= (NM_001026213.1).
Identifiers: ClinVar variation 35981 (VCV000035981.49), dbSNP rs61752786, ClinGen allele CA213652.

ClinVar aggregate classification (germline): Benign/Likely benign. Review status: criteria provided, multiple submitters, no conflicts (2 of 4 stars). 12 submissions from 11 submitters: Benign (7); Likely benign (5). Last evaluated 2026-07-01.

Conditions:
Glucocorticoid-remediable aldosteronism. Also called: Hyperaldosteronism, familial, type I; FH I; GLUCOCORTICOID-SUPPRESSIBLE HYPERALDOSTERONISM; ACTH-DEPENDENT HYPERALDOSTERONISM SYNDROME; ALDOSTERONISM, SENSITIVE TO DEXAMETHASONE. Identifiers: Orphanet 403, MedGen C3838731, MONDO:0007080, OMIM 103900.
Deficiency of steroid 11-beta-monooxygenase (CYP11B1). Also called: STEROID 11-BETA-HYDROXYLASE DEFICIENCY; Congenital adrenal hyperplasia due to 11-beta-hydroxylase deficiency; ADRENAL HYPERPLASIA IV; ADRENAL HYPERPLASIA, CONGENITAL, DUE TO STEROID 11-BETA-HYDROXYLASE DEFICIENCY; 11-BETA-HYDROXYLASE DEFICIENCY; P450C11B1 DEFICIENCY. Identifiers: Orphanet 90795, MedGen C0268292, MONDO:0008729, OMIM 202010. Disease mechanism: loss of function.

Allele frequency attached by ClinVar (database versions not stated): ESP Exome Variant Server 0.01761.
gnomAD v4.1: 35,064 of 1,594,996 alleles (2.2%); highest among the groups gnomAD compares: Non-Finnish European, 2.5%; 413 homozygotes.

Submissions (12):

CeGaT Center for Human Genetics Tuebingen
Classification: Benign. Last evaluated: 2026-07-01. Review status: criteria provided, single submitter. Criteria: CeGaT Center For Human Genetics Tuebingen Variant Classification Criteria Version 2. Collection method: clinical testing. Allele origin: germline. Affected: yes. Observed: 12 variant alleles.
Comment: CYP11B1: BP4, BP7, BS1, BS2

Labcorp Genetics (formerly Invitae), Labcorp
Classification: Benign. Last evaluated: 2026-02-04. Review status: criteria provided, single submitter. Criteria: Invitae Variant Classification Sherloc (09022015). Collection method: clinical testing. Allele origin: germline.

Blueprint Genetics
Classification: Likely benign. Last evaluated: 2024-11-27. Review status: criteria provided, single submitter. Criteria: ACMG Guidelines, 2015. Collection method: clinical testing. Allele origin: germline.

Athena Diagnostics
Classification: Benign. Last evaluated: 2024-05-03. Review status: criteria provided, single submitter. Criteria: Athena Diagnostics Criteria. Collection method: clinical testing. Allele origin: unknown.

Mayo Clinic Laboratories, Mayo Clinic
Classification: Benign. Last evaluated: 2023-04-28. Review status: criteria provided, single submitter. Criteria: ACMG Guidelines, 2015. Collection method: clinical testing. Allele origin: germline. Observed: 14 variant alleles.
Comment: BS1, BS2, BP4, BP7

Fulgent Genetics
Classification: Benign for Glucocorticoid-remediable aldosteronism; Deficiency of steroid 11-beta-monooxygenase. Last evaluated: 2021-11-05. Review status: criteria provided, single submitter. Criteria: ACMG Guidelines, 2015. Collection method: clinical testing. Allele origin: unknown.

Department of Human Genetics, Laborarztpraxis Dres. Walther, Weindel und Kollegen
Classification: Likely benign for Deficiency of steroid 11-beta-monooxygenase. Last evaluated: 2020-04-20. Review status: criteria provided, single submitter. Criteria: ACMG Guidelines, 2015. Collection method: clinical testing. Allele origin: germline. Affected: yes.
Comment: This variant is classified as likely benign because it does not alter an amino acid residue and its occurence is too high to be a pathogenic mutation. However, there is insufficient evidence to classify this variant as benign.

Women's Health and Genetics/Laboratory Corporation of America, LabCorp
Classification: Likely benign. Last evaluated: 2019-09-10. Review status: criteria provided, single submitter. Criteria: LabCorp Variant Classification Summary - May 2015. Collection method: clinical testing. Allele origin: germline.
Comment: Variant summary: CYP11B1 c.1120C>A (p.Arg374Arg) alters a non-conserved nucleotide located close to a canonical splice site and therefore could affect mRNA splicing, leading to a significantly altered protein sequence. 5/5 computational tools via ALAMUT predict no significant impact on normal splicing. Another tool for predicting the outcome of synonymous variants, namely Transcript-inferred Pathogenicity score (TraP, Gelfman_2017) predicts this variant to be possibly pathogenic. However, these predictions have yet to be confirmed by functional studies. The variant allele was found at a frequency of 0.017 in 248518 control chromosomes in the gnomAD database, including 57 homozygotes. The observed variant frequency is approximately 8.5 fold the estimated maximal allele frequency expected for a pathogenic variant in CYP11B1 causing Congenital Adrenal Hyperplasia phenotype (0.002), strongly suggesting that the variant is benign. c.1120C>A has been reported in the literature in individuals affected with Congenital Adrenal Hyperplasia, but without strong evidence for causality (Dundar_2019). This report does not provide unequivocal conclusions about association of the variant with Congenital Adrenal Hyperplasia. To our knowledge, no experimental evidence demonstrating an impact on protein function has been reported. Three other clinical diagnostic laboratories have submitted clinical-significance assessments for this variant to ClinVar after 2014 without evidence for independent evaluation. All laboratories classified the variant as benign/likely benign. Based on the evidence outlined above, the variant was classified as likely benign.

Illumina Laboratory Services, Illumina
Classification: Likely benign for Deficiency of steroid 11-beta-monooxygenase. Last evaluated: 2018-01-12. Review status: criteria provided, single submitter. Criteria: ICSL Variant Classification Criteria 13 December 2019. Collection method: clinical testing. Allele origin: germline.
Comment: This variant was observed in the ICSL laboratory as part of a predisposition screen in an ostensibly healthy population. It had not been previously curated by ICSL or reported in the Human Gene Mutation Database (HGMD: prior to June 1st, 2018), and was therefore a candidate for classification through an automated scoring system. Utilizing variant allele frequency, disease prevalence and penetrance estimates, and inheritance mode, an automated score was calculated to assess if this variant is too frequent to cause the disease. Based on the score and internal cut-off values, a variant classified as likely benign is not then subjected to further curation. The score for this variant resulted in a classification of likely benign for this disease.

Illumina Laboratory Services, Illumina
Classification: Benign for Glucocorticoid-remediable aldosteronism. Last evaluated: 2018-01-12. Review status: criteria provided, single submitter. Criteria: ICSL Variant Classification Criteria 13 December 2019. Collection method: clinical testing. Allele origin: germline.
Comment: This variant was observed in the ICSL laboratory as part of a predisposition screen in an ostensibly healthy population. It had not been previously curated by ICSL or reported in the Human Gene Mutation Database (HGMD: prior to June 1st, 2018), and was therefore a candidate for classification through an automated scoring system. Utilizing variant allele frequency, disease prevalence and penetrance estimates, and inheritance mode, an automated score was calculated to assess if this variant is too frequent to cause the disease. Based on the score and internal cut-off values, a variant classified as benign is not then subjected to further curation. The score for this variant resulted in a classification of benign for this disease.

Laboratory for Molecular Medicine, Mass General Brigham Personalized Medicine
Classification: Benign. Last evaluated: 2016-03-28. Review status: criteria provided, single submitter. Criteria: LMM Criteria. Collection method: clinical testing. Allele origin: germline.
Comment: Variant identified in a genome or exome case(s) and assessed due to predicted null impact of the variant or pathogenic assertions in the literature or databases. Disclaimer: This variant has not undergone full assessment. The following are preliminary notes: Frequency (too high for associated disease - congenital adrenal hyperplasia)

Breakthrough Genomics
Classification: Likely benign. Review status: criteria provided, single submitter. Criteria: ACMG Guidelines, 2015. Collection method: not provided. Allele origin: germline. Inheritance: Autosomal recessive inheritance. Affected: yes.

Literature cited by the submitters: PubMed 31006099 (cited by Athena Diagnostics and Mayo Clinic Laboratories, Mayo Clinic); PubMed 34754074 (cited by Athena Diagnostics); PubMed 17075029 (cited by Athena Diagnostics).